The following is an entry in ClinVar:

ClinVar aggregate classification (germline): Conflicting classifications of pathogenicity. Review status: criteria provided, conflicting classifications (1 of 4 stars). 6 submissions from 6 submitters: Uncertain significance (3); Likely benign (3). Last evaluated 2026-06-08.

Conditions:
Inborn genetic diseases. Identifiers: MedGen C0950123, MeSH D030342.
Melanoma, uveal, susceptibility to, 1 (UVM1). Identifiers: Orphanet 39044, MedGen C1847724, MONDO:0011695, OMIM 606660. Disease mechanism: loss of function.
Tumor predisposition syndrome 2 (TPDS2). Also called: MBD4-associated neoplasia syndrome (MANS); MBD4-Related Tumor Predisposition Syndrome; MBD4-ASSOCIATED NEOPLASIA SYNDROME. Identifiers: Orphanet 661526, MedGen C5774186, MONDO:0859267, OMIM 619975.
MBD4-related disorder. Also called: MBD4-related condition.

Allele frequency attached by ClinVar (database versions not stated): gnomAD exomes 0.00010; ESP Exome Variant Server 0.00015; 1000 Genomes Project 30x 0.00016; gnomAD 0.00017; 1000 Genomes Project 0.00020; ExAC 0.00020; TOPMed 0.00022.
gnomAD v4.1: 177 of 1,614,038 alleles (0.011%); highest among the groups gnomAD compares: Middle Eastern, 0.099%; no homozygotes.

Submissions (6):

Myriad Genetics, Inc.
Classification: Likely benign for Tumor predisposition syndrome 2. Last evaluated: 2026-06-08. Review status: criteria provided, single submitter. Criteria: Myriad Autosomal Dominant, Autosomal Recessive and X-Linked Classification Criteria (2023). Collection method: clinical testing. Allele origin: unknown.
Comment: This variant is considered likely benign. This variant has been observed at a population frequency that is significantly greater than expected given the associated disease prevalence and penetrance.

PreventionGenetics, part of Exact Sciences
Classification: Uncertain significance for MBD4-related condition. Last evaluated: 2026-04-28. Review status: criteria provided, single submitter. Criteria: ACMG Guidelines, 2015. Collection method: clinical testing. Allele origin: germline.
Comment: The MBD4 c.572C>T variant is predicted to result in the amino acid substitution p.Pro191Leu. To our knowledge, this variant has not been reported in the literature. This variant is reported in 0.080% of alleles in individuals of East Asian descent in gnomAD and has conflicting interpretations of pathogenicity in ClinVar of uncertain significance and likely benign (Variation ID: 1879591). Although we suspect that this variant may be benign, at this time, the clinical significance of this variant is uncertain due to the absence of conclusive functional and genetic evidence.

Labcorp Genetics (formerly Invitae), Labcorp
Classification: Uncertain significance. Last evaluated: 2026-01-21. Review status: criteria provided, single submitter. Criteria: Invitae Variant Classification Sherloc (09022015). Collection method: clinical testing. Allele origin: germline.
Comment: This sequence change replaces proline, which is neutral and non-polar, with leucine, which is neutral and non-polar, at codon 191 of the MBD4 protein (p.Pro191Leu). This variant is present in population databases (rs148464573, gnomAD 0.08%). This variant has not been reported in the literature in individuals affected with MBD4-related conditions. ClinVar contains an entry for this variant (Variation ID: 1879591). An algorithm developed to predict the effect of missense changes on protein structure and function outputs the following: PolyPhen-2: "Benign". The leucine amino acid residue is found in multiple mammalian species, which suggests that this missense change does not adversely affect protein function. In summary, the available evidence is currently insufficient to determine the role of this variant in disease. Therefore, it has been classified as a Variant of Uncertain Significance.

Fulgent Genetics
Classification: Uncertain significance for Melanoma, uveal, susceptibility to, 1; Tumor predisposition syndrome 2. Last evaluated: 2024-06-18. Review status: criteria provided, single submitter. Criteria: ACMG Guidelines, 2015. Collection method: clinical testing. Allele origin: germline.

CeGaT Center for Human Genetics Tuebingen
Classification: Likely benign. Last evaluated: 2022-12-01. Review status: criteria provided, single submitter. Criteria: CeGaT Center For Human Genetics Tuebingen Variant Classification Criteria Version 2. Collection method: clinical testing. Allele origin: germline. Affected: yes. Observed: 1 variant allele.
Comment: MBD4: BP4

Ambry Genetics
Classification: Likely benign for Inborn genetic diseases. Last evaluated: 2021-08-13. Review status: criteria provided, single submitter. Criteria: Ambry Variant Classification Scheme 2023. Collection method: clinical testing. Allele origin: germline.

NM_001276270.2(MBD4):c.572C>T (p.Pro191Leu)

Gene: MBD4 (methyl-CpG binding domain 4, DNA glycosylase; minus strand). Cytogenetic location: 3q21.3.
Variant type: single nucleotide variant.
Coding change: c.572C>T on transcript NM_001276270.2 (MANE Select); coding-DNA position 572, C replaced by T.
Protein change: p.Pro191Leu; replaces proline 191 with leucine.
Molecular consequence: missense variant. On other transcripts: intron variant (1).
Genome position (GRCh38, 1-based): chr3:129,437,072, G>A on the plus strand (C>T on the coding strand, the complement: MBD4 is on the minus strand). VCF-style: chr3-129437072-G-A. GRCh37 (hg19) VCF-style: chr3-129155915-G-A.
Other names: c.572C>T (NM_003925.2, NM_003925.1); c.572C>T, p.Pro191Leu (NM_001276271.2, NM_001276272.2, NM_003925.3); c.247+736C>T (NM_001276273.2); short protein forms P191L.
Identifiers: ClinVar variation 1879591 (VCV001879591.37), dbSNP rs148464573, ClinGen allele CA2605507.